The following is an entry in ClinVar:

ClinVar aggregate classification (germline): Uncertain significance. Review status: criteria provided, multiple submitters, no conflicts (2 of 4 stars). 2 submissions from 2 submitters: Uncertain significance (2). Last evaluated 2025-02-26.

Conditions:
Inborn genetic diseases. Identifiers: MedGen C0950123, MeSH D030342.
Jeune thoracic dystrophy. Also called: Jeune syndrome; Infantile thoracic dystrophy; Thoracic pelvic phalangeal dystrophy; Jeune's syndrome; Chondroectodermal dysplasia-like syndrome; Short-rib thoracic dysplasia. Identifiers: Orphanet 474, MedGen C0265275, MONDO:0018770.

Allele frequency attached by ClinVar (database versions not stated): gnomAD 0.00001; TOPMed 0.00001; ESP Exome Variant Server 0.00009.
gnomAD v4.1: 17 of 1,600,134 alleles (0.0011%); highest among the groups gnomAD compares: Non-Finnish European, 0.0013%; no homozygotes.

Submissions (2):

Ambry Genetics
Classification: Uncertain significance for Inborn genetic diseases. Last evaluated: 2025-02-26. Review status: criteria provided, single submitter. Criteria: Ambry Variant Classification Scheme 2023. Collection method: clinical testing. Allele origin: germline.

Labcorp Genetics (formerly Invitae), Labcorp
Classification: Uncertain significance for Jeune thoracic dystrophy. Last evaluated: 2024-04-17. Review status: criteria provided, single submitter. Criteria: Invitae Variant Classification Sherloc (09022015). Collection method: clinical testing. Allele origin: germline.
Comment: This sequence change replaces isoleucine, which is neutral and non-polar, with valine, which is neutral and non-polar, at codon 1029 of the DYNC2H1 protein (p.Ile1029Val). This variant is present in population databases (rs376486940, gnomAD 0.007%). This variant has not been reported in the literature in individuals affected with DYNC2H1-related conditions. ClinVar contains an entry for this variant (Variation ID: 2160148). Advanced modeling of protein sequence and biophysical properties (such as structural, functional, and spatial information, amino acid conservation, physicochemical variation, residue mobility, and thermodynamic stability) performed at Invitae indicates that this missense variant is not expected to disrupt DYNC2H1 protein function with a negative predictive value of 95%. In summary, the available evidence is currently insufficient to determine the role of this variant in disease. Therefore, it has been classified as a Variant of Uncertain Significance.

NM_001377.3(DYNC2H1):c.3085A>G (p.Ile1029Val)

Gene: DYNC2H1 (dynein cytoplasmic 2 heavy chain 1; plus strand). Cytogenetic location: 11q22.3.
Variant type: single nucleotide variant.
Coding change: c.3085A>G on transcript NM_001377.3 (MANE Select); coding-DNA position 3085, A replaced by G.
Protein change: p.Ile1029Val; replaces isoleucine 1029 with valine.
Molecular consequence: missense variant.
Genome position (GRCh38, 1-based): chr11:103,152,274, A>G. VCF-style: chr11-103152274-A-G. GRCh37 (hg19) VCF-style: chr11-103023003-A-G.
Other names: c.3085A>G, p.Ile1029Val (NM_001080463.2); c.3085A>G (NM_001080463.1); short protein forms I1029V.
Identifiers: ClinVar variation 2160148 (VCV002160148.4), dbSNP rs376486940, ClinGen allele CA227417195.